The following is an entry in ClinVar:

ClinVar aggregate classification (germline): Pathogenic (1 of 4 stars; one submission).

Submission:

Labcorp Genetics (formerly Invitae), Labcorp
Classification: Pathogenic. Last evaluated: 2022-05-13. Review status: criteria provided, single submitter. Criteria: Invitae Variant Classification Sherloc (09022015). Collection method: clinical testing. Allele origin: germline.
Comment: For these reasons, this variant has been classified as Pathogenic. This variant has not been reported in the literature in individuals affected with TOP3A-related conditions. This variant is not present in population databases (gnomAD no frequency). This sequence change creates a premature translational stop signal (p.Phe500Leufs*74) in the TOP3A gene. It is expected to result in an absent or disrupted protein product. Loss-of-function variants in TOP3A are known to be pathogenic (PMID: 30057030).

Literature cited by the submitters: PubMed 30057030.

NM_004618.5(TOP3A):c.1497dup (p.Phe500fs)

Gene: TOP3A (DNA topoisomerase III alpha; minus strand). Cytogenetic location: 17p11.2.
Variant type: Duplication.
Coding change: c.1497dup on transcript NM_004618.5 (MANE Select); coding-DNA position 1497, one base duplicated (C; older notation c.1497dupC).
Protein change: p.Phe500fs; shifts the reading frame from phenylalanine 500.
Molecular consequence: frameshift variant.
Genome position (GRCh38, 1-based): chr17:18,290,657, G duplicated on the plus strand (C on the coding strand, the reverse complement: TOP3A is on the minus strand). VCF-style (leftmost placement, unchanged base first): chr17-18290656-A-AG. GRCh37 (hg19) VCF-style: chr17-18193970-A-AG.
Other names: c.1212dup, p.Phe405fs (NM_001320759.2); short protein forms F405fs, F500fs.
Identifiers: ClinVar variation 1955432 (VCV001955432.5), dbSNP rs2545606715, ClinGen allele CA2580092663.